The following is an entry in ClinVar:

ClinVar aggregate classification (germline): Benign/Likely benign. Review status: criteria provided, multiple submitters, no conflicts (2 of 4 stars). 4 submissions from 4 submitters: Benign (1); Likely benign (3). Last evaluated 2025-12-17.

Conditions:
FG syndrome (FGS). Identifiers: MedGen C0220769, MONDO:0002010.
MED12-Related Disorders. Also called: MED12-related condition; MED12-related disorder. Identifiers: MedGen CN381102.
Familial thoracic aortic aneurysm and aortic dissection (TAAD). Also called: Thoracic aortic aneurysms and dissections. Identifiers: Orphanet 91387, MedGen C4707243, MONDO:0019625.

Allele frequency attached by ClinVar (database versions not stated): gnomAD 0.00002; gnomAD exomes 0.00002; ExAC 0.00004; 1000 Genomes Project 30x 0.00042; 1000 Genomes Project 0.00053.
gnomAD v4.1: 22 of 1,210,004 alleles (0.0018%); highest among the groups gnomAD compares: South Asian, 0.039%; no homozygotes.

Submissions (4):

Labcorp Genetics (formerly Invitae), Labcorp
Classification: Benign for FG syndrome. Last evaluated: 2025-12-17. Review status: criteria provided, single submitter. Criteria: Invitae Variant Classification Sherloc (09022015). Collection method: clinical testing. Allele origin: germline.

PreventionGenetics, part of Exact Sciences
Classification: Likely benign for MED12-related condition. Last evaluated: 2025-09-25. Review status: criteria provided, single submitter. Criteria: ACMG Guidelines, 2015. Collection method: clinical testing. Allele origin: germline.
Comment: This variant is classified as likely benign based on ACMG/AMP sequence variant interpretation guidelines (Richards et al. 2015 PMID: 25741868, with internal and published modifications).

Ambry Genetics
Classification: Likely benign for Familial thoracic aortic aneurysm and aortic dissection. Last evaluated: 2021-11-24. Review status: criteria provided, single submitter. Criteria: Ambry Variant Classification Scheme 2023. Collection method: clinical testing. Allele origin: germline.

Center for Pediatric Genomic Medicine, Children's Mercy Hospital and Clinics
Classification: Likely benign. Last evaluated: 2017-05-18. Review status: criteria provided, single submitter. Criteria: ACMG Guidelines, 2015. Collection method: clinical testing. Allele origin: germline.

NM_005120.3(MED12):c.4238C>A (p.Thr1413Asn)

Gene: MED12 (mediator complex subunit 12; plus strand). Cytogenetic location: Xq13.1.
Variant type: single nucleotide variant.
Coding change: c.4238C>A on transcript NM_005120.3 (MANE Select); coding-DNA position 4238, C replaced by A.
Protein change: p.Thr1413Asn; replaces threonine 1413 with asparagine.
Molecular consequence: missense variant.
Genome position (GRCh38, 1-based): chrX:71,132,191, C>A. VCF-style: chrX-71132191-C-A. GRCh37 (hg19) VCF-style: chrX-70352041-C-A.
Other names: short protein forms T1413N.
Identifiers: ClinVar variation 408880 (VCV000408880.13), dbSNP rs759532414, ClinGen allele CA10444608.